The following is an entry in ClinVar:

NM_018706.7(DHTKD1):c.2722C>A (p.His908Asn)

Gene: DHTKD1 (dehydrogenase E1 and transketolase domain containing 1; plus strand). Cytogenetic location: 10p14.
Variant type: single nucleotide variant.
Coding change: c.2722C>A on transcript NM_018706.7 (MANE Select); coding-DNA position 2722, C replaced by A.
Protein change: p.His908Asn; replaces histidine 908 with asparagine.
Molecular consequence: missense variant.
Genome position (GRCh38, 1-based): chr10:12,120,850, C>A. VCF-style: chr10-12120850-C-A. GRCh37 (hg19) VCF-style: chr10-12162849-C-A.
Other names: short protein forms H908N.
Identifiers: ClinVar variation 714449 (VCV000714449.11), dbSNP rs140386798, ClinGen allele CA5408378.

ClinVar aggregate classification (germline): Likely benign. Review status: criteria provided, multiple submitters, no conflicts (2 of 4 stars). 3 submissions from 3 submitters: Likely benign (2). 1 of the submissions does not count toward it. Last evaluated 2025-12-16.

Conditions:
DHTKD1-related disorder. Also called: DHTKD1-related condition.
2-aminoadipic 2-oxoadipic aciduria (AAKAD). Also called: ALPHA-AMINOADIPIC AND ALPHA-KETOADIPIC ACIDURIA; Aminoadipic aciduria. Identifiers: Orphanet 79154, MedGen C1859817, MONDO:0008774, OMIM 204750.

Allele frequency attached by ClinVar (database versions not stated): gnomAD exomes 0.00008 and 0.00027; ExAC 0.00024; 1000 Genomes Project 0.00060; 1000 Genomes Project 30x 0.00062; gnomAD 0.00082 and 0.00089; TOPMed 0.00094; ESP Exome Variant Server 0.00123.
gnomAD v4.1: 244 of 1,614,068 alleles (0.015%); highest among the groups gnomAD compares: African/African-American, 0.3%; 1 homozygote.

Submissions (3):

Labcorp Genetics (formerly Invitae), Labcorp
Classification: Likely benign for 2-aminoadipic 2-oxoadipic aciduria. Last evaluated: 2025-12-16. Review status: criteria provided, single submitter. Criteria: Invitae Variant Classification Sherloc (09022015). Collection method: clinical testing. Allele origin: germline.

Breakthrough Genomics
Classification: Likely benign. Review status: criteria provided, single submitter. Criteria: ACMG Guidelines, 2015. Collection method: not provided. Allele origin: germline. Inheritance: Autosomal recessive inheritance. Affected: yes.

PreventionGenetics, part of Exact Sciences
Classification: Likely benign for DHTKD1-related condition. Last evaluated: 2022-09-08. Review status: no assertion criteria provided. Collection method: clinical testing. Allele origin: germline. Not counted in ClinVar's aggregate classification.
Comment: This variant is classified as likely benign based on ACMG/AMP sequence variant interpretation guidelines (Richards et al. 2015 PMID: 25741868, with internal and published modifications).